The following is an entry in ClinVar:

NM_058216.3(RAD51C):c.1022T>C (p.Ile341Thr)

Gene: RAD51C (RAD51 paralog C; plus strand). Cytogenetic location: 17q22.
Variant type: single nucleotide variant.
Coding change: c.1022T>C on transcript NM_058216.3 (MANE Select); coding-DNA position 1022, T replaced by C.
Protein change: p.Ile341Thr; replaces isoleucine 341 with threonine.
Molecular consequence: missense variant. On other transcripts: non-coding transcript variant (1).
Genome position (GRCh38, 1-based): chr17:58,732,540, T>C. VCF-style: chr17-58732540-T-C. GRCh37 (hg19) VCF-style: chr17-56809901-T-C.
Other names: short protein forms I341T.
Identifiers: ClinVar variation 3619995 (VCV003619995.2).

ClinVar aggregate classification (germline): Uncertain significance (1 of 4 stars; one submission).

Conditions:
Fanconi anemia complementation group O. Also called: RAD51C-Related Fanconi Anemia. Identifiers: Orphanet 84, MedGen C3150653, MONDO:0013248, OMIM 613390.

gnomAD v4.1: 1 of 1,611,748 alleles (0.000062%); highest among the groups gnomAD compares: South Asian, 0.0011%; no homozygotes.

Submission:

Labcorp Genetics (formerly Invitae), Labcorp
Classification: Uncertain significance for Fanconi anemia complementation group O. Last evaluated: 2024-03-27. Review status: criteria provided, single submitter. Criteria: Invitae Variant Classification Sherloc (09022015). Collection method: clinical testing. Allele origin: germline.
Comment: This sequence change replaces isoleucine, which is neutral and non-polar, with threonine, which is neutral and polar, at codon 341 of the RAD51C protein (p.Ile341Thr). This variant is not present in population databases (gnomAD no frequency). This variant has not been reported in the literature in individuals affected with RAD51C-related conditions. Advanced modeling of protein sequence and biophysical properties (such as structural, functional, and spatial information, amino acid conservation, physicochemical variation, residue mobility, and thermodynamic stability) performed at Invitae indicates that this missense variant is expected to disrupt RAD51C protein function with a positive predictive value of 80%. In summary, the available evidence is currently insufficient to determine the role of this variant in disease. Therefore, it has been classified as a Variant of Uncertain Significance.